The following is an entry in ClinVar:

NM_002887.4(RARS1):c.1864dup (p.Arg622fs)

Gene: RARS1 (arginyl-tRNA synthetase 1; plus strand). Cytogenetic location: 5q34.
Variant type: Duplication.
Coding change: c.1864dup on transcript NM_002887.4 (MANE Select); coding-DNA position 1864, one base duplicated (A; older notation c.1864dupA).
Protein change: p.Arg622fs; shifts the reading frame from arginine 622.
Molecular consequence: frameshift variant.
Genome position (GRCh38, 1-based): chr5:168,518,053, A duplicated. VCF-style (leftmost placement, unchanged base first): chr5-168518052-T-TA. GRCh37 (hg19) VCF-style: chr5-167945057-T-TA.
Other names: short protein forms R622fs.
Identifiers: ClinVar variation 4887890 (VCV004887890.1).

ClinVar aggregate classification (germline): Uncertain significance (1 of 4 stars; one submission).

Submission:

GeneDx
Classification: Uncertain significance. Last evaluated: 2026-01-14. Review status: criteria provided, single submitter. Criteria: GeneDx Variant Classification Process June 2021. Collection method: clinical testing. Allele origin: germline.
Comment: Not observed at significant frequency in large population cohorts (gnomAD); Frameshift variant predicted to result in abnormal protein length as the last 39 amino acid(s) are replaced with 17 different amino acid(s); Has not been previously published as pathogenic or benign to our knowledge